The following is an entry in ClinVar:

NM_001164508.2(NEB):c.12330+2T>C

Gene: NEB (nebulin; minus strand). Cytogenetic location: 2q23.3.
Variant type: single nucleotide variant.
Coding change: c.12330+2T>C on transcript NM_001164508.2 (MANE Select); the canonical splice donor site of the intron after coding-DNA position 12330, T replaced by C.
Molecular consequence: splice donor variant.
Genome position (GRCh38, 1-based): chr2:151,609,807, A>G on the plus strand (T>C on the coding strand, the complement: NEB is on the minus strand). VCF-style: chr2-151609807-A-G. GRCh37 (hg19) VCF-style: chr2-152466321-A-G.
Other names: c.12330+2T>C (LRG_202t1, NM_001164507.2, NM_001271208.2 and 1 more transcripts); c.11601+2T>C (NM_004543.5).
Identifiers: ClinVar variation 827799 (VCV000827799.5), dbSNP rs1374971806, ClinGen allele CA348776468.

ClinVar aggregate classification (germline): Likely pathogenic. Review status: criteria provided, multiple submitters, no conflicts (2 of 4 stars). 3 submissions from 3 submitters: Likely pathogenic (2). 1 of the submissions does not count toward it. Last evaluated 2025-03-11.

Conditions:
Arthrogryposis multiplex congenita 6. Identifiers: MedGen C5543431, MONDO:0030281, OMIM 619334.
Nemaline myopathy. Also called: Myopathies, Nemaline. Identifiers: Orphanet 607, MedGen C0206157, MONDO:0018958.
Nemaline myopathy 2 (NEM2). Also called: Nemaline myopathy 2, autosomal recessive. Identifiers: MedGen C1850569, MONDO:0009725, OMIM 256030.

Allele frequency attached by ClinVar (database versions not stated): gnomAD exomes below 0.00001; gnomAD 0.00001.
gnomAD v4.1: 3 of 1,570,092 alleles (0.00019%); highest among the groups gnomAD compares: Admixed American, 0.0055%; no homozygotes.

Submissions (3):

Broad Center for Mendelian Genomics, Broad Institute of MIT and Harvard
Classification: Likely pathogenic for Nemaline myopathy. Last evaluated: 2025-03-11. Review status: criteria provided, single submitter. Criteria: ACMG Guidelines, 2015. Collection method: curation. Allele origin: germline. Inheritance: Autosomal recessive inheritance.
Comment: The c.12330+2T>C variant in NEB has been reported in 1 individual with nemaline myopathy (PMID: 34782754), and has been identified in 0.005% (3/54750) of Latino/Admixed American chromosomes by the Genome Aggregation Database (gnomAD; dbSNP ID: rs1374971806). Although this variant has been seen in the general population in a heterozygous state, its frequency is low enough to be consistent with a recessive carrier frequency. This variant is located in the 5' splice region. SpliceAI predictions indicate use of an out-of-frame cryptic splice site 4 bases from the intron-exon boundary, providing evidence that this variant may cause a frameshift and lead to a premature termination codon downstream. This alteration is then predicted to lead to a truncated or absent protein. However, this information is not predictive enough to determine pathogenicity. Loss of function of the NEB gene is an established disease mechanism in autosomal recessive nemaline myopathy. In summary, although additional studies are required to fully establish its clinical significance, this variant is likely pathogenic for autosomal recessive nemaline myopathy. ACMG/AMP Criteria applied: PVS1, PM2_supporting (Richards 2015).

Baylor Genetics
Classification: Likely pathogenic for Arthrogryposis multiplex congenita 6. Last evaluated: 2023-02-16. Review status: criteria provided, single submitter. Criteria: ACMG Guidelines, 2015. Collection method: clinical testing. Allele origin: unknown.

Equipe Genetique des Anomalies du Developpement, Université de Bourgogne
Classification: Likely pathogenic for Nemaline myopathy 2. Last evaluated: 2019-05-03. Review status: no assertion criteria provided. Criteria: ACMG Guidelines, 2015. Collection method: clinical testing. Allele origin: paternal. Affected: yes. Not counted in ClinVar's aggregate classification.

Literature cited by the submitters: PubMed 34782754 (cited by Equipe Genetique des Anomalies du Developpement, Université de Bourgogne).